The following is an entry in ClinVar:

NM_014000.3(VCL):c.2267T>C (p.Ile756Thr)

Gene: VCL (vinculin; plus strand). Cytogenetic location: 10q22.2.
Variant type: single nucleotide variant.
Coding change: c.2267T>C on transcript NM_014000.3 (MANE Select); coding-DNA position 2267, T replaced by C.
Protein change: p.Ile756Thr; replaces isoleucine 756 with threonine.
Molecular consequence: missense variant.
Genome position (GRCh38, 1-based): chr10:74,105,186, T>C. VCF-style: chr10-74105186-T-C. GRCh37 (hg19) VCF-style: chr10-75864944-T-C.
Other names: c.2267T>C, p.Ile756Thr (NM_003373.4); short protein forms I756T.
Identifiers: ClinVar variation 432710 (VCV000432710.5), dbSNP rs1554818898, ClinGen allele CA377262312.

ClinVar aggregate classification (germline): Uncertain significance. Review status: criteria provided, multiple submitters, no conflicts (2 of 4 stars). 2 submissions from 2 submitters: Uncertain significance (2). Last evaluated 2026-06-20.

Conditions:
Cardiovascular phenotype. Identifiers: MedGen CN230736.

Submissions (2):

Ambry Genetics
Classification: Uncertain significance for Cardiovascular phenotype. Last evaluated: 2026-06-20. Review status: criteria provided, single submitter. Criteria: Ambry Variant Classification Scheme 2023. Collection method: clinical testing. Allele origin: germline.
Comment: The p.I756T variant (also known as c.2267T>C), located in coding exon 16 of the VCL gene, results from a T to C substitution at nucleotide position 2267. The isoleucine at codon 756 is replaced by threonine, an amino acid with similar properties. This amino acid position is conserved. In addition, this alteration is predicted to be deleterious by in silico analysis. Based on the available evidence, the clinical significance of this variant remains unclear.

GeneDx
Classification: Uncertain significance. Last evaluated: 2021-05-12. Review status: criteria provided, single submitter. Criteria: GeneDx Variant Classification Process June 2021. Collection method: clinical testing. Allele origin: germline. Affected: yes.
Comment: Has not been previously published as pathogenic or benign to our knowledge; In silico analysis supports that this missense variant has a deleterious effect on protein structure/function; Not observed in large population cohorts (Lek et al., 2016)